The following is an entry in ClinVar:

ClinVar aggregate classification (germline): Benign/Likely benign. Review status: criteria provided, multiple submitters, no conflicts (2 of 4 stars). 7 submissions from 6 submitters: Benign (4); Likely benign (2). 1 of the submissions does not count toward it. Last evaluated 2026-02-04.

Conditions:
Distal arthrogryposis type 2B1 (DA2B1). Also called: Arthrogryposis multiplex congenita distal type II with craniofacial abnormalities. Identifiers: Orphanet 1147, MedGen C5193014, MONDO:0020820, OMIM 601680.
Freeman-Sheldon syndrome (DA2A). Also called: CRANIOCARPOTARSAL DYSPLASIA; CRANIOCARPOTARSAL DYSTROPHY; Arthrogryposis, distal, type 2A (Freeman-Sheldon); WHISTLING FACE-WINDMILL VANE HAND SYNDROME. Identifiers: Orphanet 2053, MedGen C0265224, MONDO:0008675, OMIM 193700.

Allele frequency attached by ClinVar (database versions not stated): ExAC 0.00846; gnomAD 0.01520 and 0.01571; ESP Exome Variant Server 0.01599; 1000 Genomes Project 0.01657; TOPMed 0.01691; 1000 Genomes Project 30x 0.01718.
gnomAD v4.1: 11,636 of 1,614,022 alleles (0.72%); highest among the groups gnomAD compares: African/African-American, 4.1%; 117 homozygotes.

Submissions (7):

Labcorp Genetics (formerly Invitae), Labcorp
Classification: Benign. Last evaluated: 2026-02-04. Review status: criteria provided, single submitter. Criteria: Invitae Variant Classification Sherloc (09022015). Collection method: clinical testing. Allele origin: germline.

GeneDx
Classification: Likely benign. Last evaluated: 2020-11-24. Review status: criteria provided, single submitter. Criteria: GeneDx Variant Classification Process June 2021. Collection method: clinical testing. Allele origin: germline. Affected: yes.

Illumina Laboratory Services, Illumina
Classification: Benign for Distal arthrogryposis type 2B1. Last evaluated: 2018-01-13. Review status: criteria provided, single submitter. Criteria: ICSL Variant Classification Criteria 13 December 2019. Collection method: clinical testing. Allele origin: germline.
Comment: This variant was observed in the ICSL laboratory as part of a predisposition screen in an ostensibly healthy population. It had not been previously curated by ICSL or reported in the Human Gene Mutation Database (HGMD: prior to June 1st, 2018), and was therefore a candidate for classification through an automated scoring system. Utilizing variant allele frequency, disease prevalence and penetrance estimates, and inheritance mode, an automated score was calculated to assess if this variant is too frequent to cause the disease. Based on the score and internal cut-off values, a variant classified as benign is not then subjected to further curation. The score for this variant resulted in a classification of benign for this disease.

Illumina Laboratory Services, Illumina
Classification: Benign for Freeman-Sheldon syndrome. Last evaluated: 2018-01-13. Review status: criteria provided, single submitter. Criteria: ICSL Variant Classification Criteria 13 December 2019. Collection method: clinical testing. Allele origin: germline.
Comment: the same text as in the submission from Illumina Laboratory Services, Illumina above.

Breakthrough Genomics
Classification: Likely benign. Review status: criteria provided, single submitter. Criteria: ACMG Guidelines, 2015. Collection method: not provided. Allele origin: germline. Inheritance: Autosomal recessive inheritance. Affected: yes.

PreventionGenetics, part of Exact Sciences
Classification: Benign. Review status: criteria provided, single submitter. Criteria: ACMG Guidelines, 2015. Collection method: clinical testing. Allele origin: germline.

Genetic Services Laboratory, University of Chicago
Classification: Likely benign for AllHighlyPenetrant. Review status: no assertion criteria provided. Collection method: clinical testing. Allele origin: germline. Inheritance: Autosomal dominant inheritance. Not counted in ClinVar's aggregate classification.
Comment: Likely benign based on allele frequency in 1000 Genomes Project or ESP global frequency and its presence in a patient with a rare or unrelated disease phenotype. NOT Sanger confirmed.

NM_002470.4(MYH3):c.4128C>T (p.Tyr1376=)

Gene: MYH3 (myosin heavy chain 3; minus strand). Cytogenetic location: 17p13.1.
Variant type: single nucleotide variant.
Coding change: c.4128C>T on transcript NM_002470.4 (MANE Select); coding-DNA position 4128, C replaced by T.
Protein change: p.Tyr1376=; no amino-acid change (tyrosine 1376 retained).
Molecular consequence: synonymous variant.
Genome position (GRCh38, 1-based): chr17:10,635,411, G>A on the plus strand (C>T on the coding strand, the complement: MYH3 is on the minus strand). VCF-style: chr17-10635411-G-A. GRCh37 (hg19) VCF-style: chr17-10538728-G-A.
Identifiers: ClinVar variation 129661 (VCV000129661.27), dbSNP rs112569418, ClinGen allele CA153799.